The following is an entry in ClinVar:

NM_001077350.3(NPRL3):c.860A>C (p.Lys287Thr)

Genes: HBA-LCR (alpha-globin locus control region; plus strand), NPRL3 (NPR3 like, GATOR1 complex subunit; minus strand). Cytogenetic location: 16p13.3.
Variant type: single nucleotide variant.
Coding change: c.860A>C on transcript NM_001077350.3 (MANE Select); coding-DNA position 860, A replaced by C.
Protein change: p.Lys287Thr; replaces lysine 287 with threonine.
Molecular consequence: missense variant.
Genome position (GRCh38, 1-based): chr16:98,209, T>G on the plus strand (A>C on the coding strand, the complement: NPRL3 is on the minus strand). VCF-style: chr16-98209-T-G. GRCh37 (hg19) VCF-style: chr16-148207-T-G.
Other names: c.860A>C (NM_001077350.2); c.323A>C, p.Lys108Thr (NM_001039476.3); c.626A>C, p.Lys209Thr (NM_001243247.2); c.785A>C, p.Lys262Thr (NM_001243248.2, NM_001243249.2); short protein forms K209T, K262T, K287T, K108T.
Identifiers: ClinVar variation 3015870 (VCV003015870.4), dbSNP rs773656881, ClinGen allele CA7769523.
Genomic context (GRCh38, chr16:98,209, plus strand): 5'-AGCAAGGCCAGGTCCGCATCTTGGGCTAGCTGCTGCAGGTTCTTCACAGCAGATGTGGTC[T>G]TGATCACCCGCACTAGGGCAGGGGAGCAGTCAATAGGAAGCTCACCCAGCAAGGACTTCT-3'
Protein context (NP_001070818.1, residues 277-297): DCSPALVRVI[Lys287Thr]TTSAVKNLQQ

ClinVar aggregate classification (germline): Uncertain significance. Review status: criteria provided, multiple submitters, no conflicts (2 of 4 stars). 2 submissions from 2 submitters: Uncertain significance (2). Last evaluated 2025-10-29.

Conditions:
Epilepsy, familial focal, with variable foci 3 (FFEVF3). Identifiers: MedGen C4310708, MONDO:0014925, OMIM 617118.
Inborn genetic diseases. Identifiers: MedGen C0950123, MeSH D030342.

Allele frequency attached by ClinVar (database versions not stated): ExAC 0.00001; gnomAD 0.00001; gnomAD exomes below 0.00001.
gnomAD v4.1: 6 of 1,613,858 alleles (0.00037%); highest among the groups gnomAD compares: Middle Eastern, 0.033%; no homozygotes.

Submissions (2):

Ambry Genetics
Classification: Uncertain significance for Inborn genetic diseases. Last evaluated: 2025-10-29. Review status: criteria provided, single submitter. Criteria: Ambry Variant Classification Scheme 2023. Collection method: clinical testing. Allele origin: germline.

Labcorp Genetics (formerly Invitae), Labcorp
Classification: Uncertain significance for Epilepsy, familial focal, with variable foci 3. Last evaluated: 2025-10-26. Review status: criteria provided, single submitter. Criteria: Invitae Variant Classification Sherloc (09022015). Collection method: clinical testing. Allele origin: germline.
Comment: This sequence change replaces lysine, which is basic and polar, with threonine, which is neutral and polar, at codon 287 of the NPRL3 protein (p.Lys287Thr). This variant is present in population databases (rs773656881, gnomAD 0.003%). This variant has not been reported in the literature in individuals affected with NPRL3-related conditions. ClinVar contains an entry for this variant (Variation ID: 3015870). Invitae Evidence Modeling of protein sequence and biophysical properties (such as structural, functional, and spatial information, amino acid conservation, physicochemical variation, residue mobility, and thermodynamic stability) indicates that this missense variant is not expected to disrupt NPRL3 protein function with a negative predictive value of 80%. In summary, the available evidence is currently insufficient to determine the role of this variant in disease. Therefore, it has been classified as a Variant of Uncertain Significance.